The following is an entry in ClinVar:

NM_007294.4(BRCA1):c.215G>C (p.Ser72Thr)

Gene: BRCA1 (BRCA1 DNA repair associated; minus strand). Cytogenetic location: 17q21.31.
Variant type: single nucleotide variant.
Coding change: c.215G>C on transcript NM_007294.4 (MANE Select); coding-DNA position 215, G replaced by C.
Protein change: p.Ser72Thr; replaces serine 72 with threonine.
Molecular consequence: missense variant. On other transcripts: non-coding transcript variant (1).
Genome position (GRCh38, 1-based): chr17:43,104,954, C>G on the plus strand (G>C on the coding strand, the complement: BRCA1 is on the minus strand). VCF-style: chr17-43104954-C-G. GRCh37 (hg19) VCF-style: chr17-41256971-C-G.
Other names: c.74G>C, p.Ser25Thr (NM_001408499.1, NM_001408500.1, NM_001408501.1 and 99 more transcripts); c.5G>C, p.Ser2Thr (NM_001408502.1, NM_001407571.1, NM_001407853.1 and 58 more transcripts); c.215G>C, p.Ser72Thr (NM_007298.4, NM_007299.4, NM_007300.4 and 168 more transcripts); c.137G>C, p.Ser46Thr (NM_001407653.1, NM_001407654.1, NM_001407655.1 and 21 more transcripts); c.83G>C, p.Ser28Thr (NM_001408451.1); c.-167G>C (NM_001407959.1, NM_001407960.1, NM_001407962.1 and 4 more transcripts); short protein forms S25T, S72T, S28T, S2T, S46T.
Identifiers: ClinVar variation 867976 (VCV000867976.3), dbSNP rs2054698467, ClinGen allele CA10601731.

Conditions:
Breast-ovarian cancer, familial, susceptibility to, 1 (BROVCA1). Also called: BRCA1 Hereditary Breast and Ovarian Cancer; OVARIAN CANCER, SUSCEPTIBILITY TO. Identifiers: Orphanet 145, MedGen C2676676, MONDO:0011450, OMIM 604370. Disease mechanism: loss of function.

Submission:

Brotman Baty Institute, University of Washington
No classification provided (evidence only). Condition: Breast-ovarian cancer, familial 1. Review status: no classification provided. Collection method: in vitro. Allele origin: not applicable. Functional consequence: functionally_normal.
ClinVar note: "not provided" was previously submitted as the classification for the variant. However, the classification appeared to be based only on an observation of functional data so it was converted to no classification on 2025-07-30.